The following is an entry in ClinVar:

ClinVar aggregate classification (germline): Uncertain risk allele (1 of 4 stars; one submission).

Conditions:
Diabetic retinopathy. Identifiers: MedGen C0011884, MONDO:0005266.

Submission:

Clinical Genomics, Uppaluri K&H Personalized Medicine Clinic
Classification: Uncertain risk allele for Diabetic retinopathy. Review status: criteria provided, single submitter. Criteria: K And H Uppaluri Personalized Medicine Clinic Variant Classification And Assertion Criteria Updated V 2. Collection method: research. Allele origin: unknown.
Comment: Potent mutations in TGFBR2 gene encodes the transforming growth factor that have been associated with angiogenesis and diabetic retinopathy. More clinical studies are needed for stronger association. However, more evidence is required to confer the association of this particular variant rs778838598 with diabetic retinopathy.

Literature cited by the submitters: PubMed 30222965; PubMed 28162229; PubMed 34572573.

NM_003242.6(TGFBR2):c.325C>A (p.His109Asn)

Gene: TGFBR2 (transforming growth factor beta receptor 2; plus strand). Cytogenetic location: 3p24.1.
Variant type: single nucleotide variant.
Coding change: c.325C>A on transcript NM_003242.6 (MANE Select); coding-DNA position 325, C replaced by A.
Protein change: p.His109Asn; replaces histidine 109 with asparagine.
Molecular consequence: missense variant. On other transcripts: intron variant (2).
Genome position (GRCh38, 1-based): chr3:30,650,331, C>A. VCF-style: chr3-30650331-C-A. GRCh37 (hg19) VCF-style: chr3-30691823-C-A.
Other names: c.400C>A, p.His134Asn (NM_001024847.3, NM_001407126.1, NM_001407139.1); c.325C>A, p.His109Asn (NM_001407127.1, NM_001407130.1); c.352C>A, p.His118Asn (NM_001407128.1); c.220C>A, p.His74Asn (NM_001407129.1, NM_001407132.1, NM_001407133.1 and 3 more transcripts); c.170-21307C>A (NM_001407137.1); c.95-21307C>A (NM_001407138.1); short protein forms H109N, H118N, H74N, H134N.
Identifiers: ClinVar variation 3220878 (VCV003220878.1), dbSNP rs778838598, ClinGen allele CA71503253.